The following is an entry in ClinVar:

ClinVar aggregate classification (germline): Uncertain significance. Review status: criteria provided, multiple submitters, no conflicts (2 of 4 stars). 3 submissions from 3 submitters: Uncertain significance (3). Last evaluated 2025-02-05.

Conditions:
Congenital muscular dystrophy due to integrin alpha-7 deficiency. Also called: MYOPATHY, CONGENITAL, DUE TO INTEGRIN ALPHA-7 DEFICIENCY; Congenital muscular dystrophy with integrin alpha-7 deficiency; Muscular dystrophy, congenital, due to ITGA7 deficiency. Identifiers: Orphanet 34520, MedGen C2750786, MONDO:0013177, OMIM 613204.

Allele frequency attached by ClinVar (database versions not stated): ExAC 0.00001; gnomAD exomes 0.00003 and 0.00004; TOPMed 0.00004; gnomAD 0.00005 and 0.00006.
gnomAD v4.1: 57 of 1,612,192 alleles (0.0035%); highest among the groups gnomAD compares: Non-Finnish European, 0.0048%; no homozygotes.

Submissions (3):

Mayo Clinic Laboratories, Mayo Clinic
Classification: Uncertain significance. Last evaluated: 2025-02-05. Review status: criteria provided, single submitter. Criteria: ACMG Guidelines, 2015. Collection method: clinical testing. Allele origin: germline. Observed: 1 variant allele.
Comment: PP3, PM2_supporting

Labcorp Genetics (formerly Invitae), Labcorp
Classification: Uncertain significance for Congenital muscular dystrophy due to integrin alpha-7 deficiency. Last evaluated: 2021-11-19. Review status: criteria provided, single submitter. Criteria: Invitae Variant Classification Sherloc (09022015). Collection method: clinical testing. Allele origin: germline.
Comment: This sequence change replaces glycine, which is neutral and non-polar, with valine, which is neutral and non-polar, at codon 135 of the ITGA7 protein (p.Gly135Val). This variant is present in population databases (rs745534478, gnomAD 0.007%). This variant has not been reported in the literature in individuals affected with ITGA7-related conditions. ClinVar contains an entry for this variant (Variation ID: 649580). Algorithms developed to predict the effect of missense changes on protein structure and function are either unavailable or do not agree on the potential impact of this missense change (SIFT: "Deleterious"; PolyPhen-2: "Probably Damaging"; Align-GVGD: "Class C0"). In summary, the available evidence is currently insufficient to determine the role of this variant in disease. Therefore, it has been classified as a Variant of Uncertain Significance.

Revvity Omics, Revvity
Classification: Uncertain significance for Congenital muscular dystrophy due to integrin alpha-7 deficiency. Last evaluated: 2021-09-23. Review status: criteria provided, single submitter. Criteria: ACMG Guidelines, 2015. Collection method: clinical testing. Allele origin: germline.

NM_002206.3(ITGA7):c.404G>T (p.Gly135Val)

Gene: ITGA7 (integrin subunit alpha 7; minus strand). Cytogenetic location: 12q13.2.
Variant type: single nucleotide variant.
Coding change: c.404G>T on transcript NM_002206.3 (MANE Select); coding-DNA position 404, G replaced by T.
Protein change: p.Gly135Val; replaces glycine 135 with valine.
Molecular consequence: missense variant. On other transcripts: 5 prime UTR variant (1), intron variant (1).
Genome position (GRCh38, 1-based): chr12:55,702,882, C>A on the plus strand (G>T on the coding strand, the complement: ITGA7 is on the minus strand). VCF-style: chr12-55702882-C-A. GRCh37 (hg19) VCF-style: chr12-56096666-C-A.
Other names: p.Gly135Val; c.404G>T, p.Gly135Val (NM_001144996.2, NM_001374465.1, NM_001410977.1 and 6 more transcripts); c.65G>T, p.Gly22Val (NM_001367993.1, NM_001414035.1); c.-769G>T (NM_001367994.1); c.86-1466G>T (NM_001144997.2); short protein forms G135V, G22V.
Identifiers: ClinVar variation 649580 (VCV000649580.8), dbSNP rs745534478, ClinGen allele CA6616363.